The following is an entry in ClinVar:

NM_018180.3(DHX32):c.665T>G (p.Ile222Ser)

Gene: DHX32 (DEAH-box helicase 32 (putative); minus strand). Cytogenetic location: 10q26.2.
Variant type: single nucleotide variant.
Coding change: c.665T>G on transcript NM_018180.3 (MANE Select); coding-DNA position 665, T replaced by G.
Protein change: p.Ile222Ser; replaces isoleucine 222 with serine.
Molecular consequence: missense variant.
Genome position (GRCh38, 1-based): chr10:125,859,787, A>C on the plus strand (T>G on the coding strand, the complement: DHX32 is on the minus strand). VCF-style: chr10-125859787-A-C. GRCh37 (hg19) VCF-style: chr10-127548356-A-C.
Other names: short protein forms I222S.
Identifiers: ClinVar variation 2796566 (VCV002796566.3), dbSNP rs1293593474, ClinGen allele CA378678620.

ClinVar aggregate classification (germline): Uncertain significance (1 of 4 stars; one submission).

Submission:

Labcorp Genetics (formerly Invitae), Labcorp
Classification: Uncertain significance. Last evaluated: 2022-12-30. Review status: criteria provided, single submitter. Criteria: Invitae Variant Classification Sherloc (09022015). Collection method: clinical testing. Allele origin: germline.
Comment: In summary, the available evidence is currently insufficient to determine the role of this variant in disease. Therefore, it has been classified as a Variant of Uncertain Significance. Algorithms developed to predict the effect of missense changes on protein structure and function (SIFT, PolyPhen-2, Align-GVGD) all suggest that this variant is likely to be tolerated. This variant has not been reported in the literature in individuals affected with DHX32-related conditions. This variant is not present in population databases (gnomAD no frequency). This sequence change replaces isoleucine, which is neutral and non-polar, with serine, which is neutral and polar, at codon 222 of the DHX32 protein (p.Ile222Ser).